The following is an entry in ClinVar:

ClinVar aggregate classification (germline): Pathogenic (1 of 4 stars; one submission).

Submission:

Labcorp Genetics (formerly Invitae), Labcorp
Classification: Pathogenic. Last evaluated: 2025-02-27. Review status: criteria provided, single submitter. Criteria: Invitae Variant Classification Sherloc (09022015). Collection method: clinical testing. Allele origin: germline.
Comment: This sequence change creates a premature translational stop signal (p.His277Trpfs*3) in the TBX19 gene. It is expected to result in an absent or disrupted protein product. Loss-of-function variants in TBX19 are known to be pathogenic (PMID: 22170728). This variant is not present in population databases (gnomAD no frequency). This variant has not been reported in the literature in individuals affected with TBX19-related conditions. For these reasons, this variant has been classified as Pathogenic.

Literature cited by the submitters: PubMed 22170728.

NM_005149.3(TBX19):c.829_830del (p.His277fs)

Gene: TBX19 (T-box transcription factor 19; plus strand). Cytogenetic location: 1q24.2.
Variant type: Deletion.
Coding change: c.829_830del on transcript NM_005149.3 (MANE Select); coding-DNA positions 829 to 830, 2 bases deleted (CA; older notation c.829_830delCA).
Protein change: p.His277fs; shifts the reading frame from histidine 277.
Molecular consequence: frameshift variant.
Genome position (GRCh38, 1-based): chr1:168,305,109-168,305,110, CA deleted. VCF-style (leftmost placement, unchanged base first): chr1-168305108-CCA-C. GRCh37 (hg19) VCF-style: chr1-168274346-CCA-C.
Other names: short protein forms H277fs.
Identifiers: ClinVar variation 4714001 (VCV004714001.1).